The following is an entry in ClinVar:

NM_001148.6(ANK2):c.11492A>G (p.Glu3831Gly)

Gene: ANK2 (ankyrin 2; plus strand). Cytogenetic location: 4q26.
Variant type: single nucleotide variant.
Coding change: c.11492A>G on transcript NM_001148.6 (MANE Select); coding-DNA position 11492, A replaced by G.
Protein change: p.Glu3831Gly; replaces glutamic acid 3831 with glycine.
Molecular consequence: missense variant.
Genome position (GRCh38, 1-based): chr4:113,369,687, A>G. VCF-style: chr4-113369687-A-G. GRCh37 (hg19) VCF-style: chr4-114290843-A-G.
Other names: c.5210A>G, p.Glu1737Gly (NM_001127493.3); c.5249A>G, p.Glu1750Gly (NM_001354225.2); c.5138A>G, p.Glu1713Gly (NM_001354228.2, NM_001354258.2); c.5216A>G, p.Glu1739Gly (NM_001354230.2); c.5279A>G, p.Glu1760Gly (NM_001354231.2, NM_001354242.2); c.5273A>G, p.Glu1758Gly (NM_001354232.2); c.5234A>G, p.Glu1745Gly (NM_001354235.2, NM_001354246.2, NM_001354265.2); c.5135A>G, p.Glu1712Gly (NM_001354236.2); and 35 more; short protein forms E1585G, E1618G, E1646G, E1651G, E1659G, E1668G, E1671G, E1673G.
Identifiers: ClinVar variation 3363295 (VCV003363295.1).

ClinVar aggregate classification (germline): Uncertain significance (1 of 4 stars; one submission).

Submission:

GeneDx
Classification: Uncertain significance. Last evaluated: 2023-10-19. Review status: criteria provided, single submitter. Criteria: GeneDx Variant Classification Process June 2021. Collection method: clinical testing. Allele origin: germline. Affected: yes.
Comment: Has not been previously published as pathogenic or benign to our knowledge; Not observed at significant frequency in large population cohorts (gnomAD); In silico analysis supports that this missense variant has a deleterious effect on protein structure/function